The following is an entry in ClinVar:

NM_001184880.2(PCDH19):c.1281C>T (p.Asp427=)

Gene: PCDH19 (protocadherin 19; minus strand). Cytogenetic location: Xq22.1.
Variant type: single nucleotide variant.
Coding change: c.1281C>T on transcript NM_001184880.2 (MANE Select); coding-DNA position 1281, C replaced by T.
Protein change: p.Asp427=; no amino-acid change (aspartic acid 427 retained).
Molecular consequence: synonymous variant.
Genome position (GRCh38, 1-based): chrX:100,407,317, G>A on the plus strand (C>T on the coding strand, the complement: PCDH19 is on the minus strand). VCF-style: chrX-100407317-G-A. GRCh37 (hg19) VCF-style: chrX-99662315-G-A.
Other names: c.1281C>T, p.Asp427= (NM_001105243.2, NM_020766.3).
Identifiers: ClinVar variation 4996169 (VCV004996169.1).

ClinVar aggregate classification (germline): Likely benign (1 of 4 stars; one submission).

Conditions:
PCDH19-related disorder. Also called: PCDH19-related condition.

Submission:

PreventionGenetics, part of Exact Sciences
Classification: Likely benign for PCDH19-related condition. Last evaluated: 2026-02-02. Review status: criteria provided, single submitter. Criteria: ACMG Guidelines, 2015. Collection method: clinical testing. Allele origin: germline.
Comment: This variant is classified as likely benign based on ACMG/AMP sequence variant interpretation guidelines (Richards et al. 2015 PMID: 25741868, with internal and published modifications).